The following is an entry in ClinVar:

ClinVar aggregate classification (germline): Uncertain significance (1 of 4 stars; one submission).

Submission:

GeneDx
Classification: Uncertain significance. Last evaluated: 2025-06-30. Review status: criteria provided, single submitter. Criteria: GeneDx Variant Classification Process June 2021. Collection method: clinical testing. Allele origin: germline. Affected: yes.
Comment: Not observed at significant frequency in large population cohorts (gnomAD); In silico analysis supports that this missense variant has a deleterious effect on protein structure/function; Has not been previously published as pathogenic or benign to our knowledge; This variant is associated with the following publications: (PMID: 16053902)

NM_014795.4(ZEB2):c.3120C>G (p.His1040Gln)

Gene: ZEB2 (zinc finger E-box binding homeobox 2; minus strand). Cytogenetic location: 2q22.3.
Variant type: single nucleotide variant.
Coding change: c.3120C>G on transcript NM_014795.4 (MANE Select); coding-DNA position 3120, C replaced by G.
Protein change: p.His1040Gln; replaces histidine 1040 with glutamine.
Molecular consequence: missense variant.
Genome position (GRCh38, 1-based): chr2:144,389,976, G>C on the plus strand (C>G on the coding strand, the complement: ZEB2 is on the minus strand). VCF-style: chr2-144389976-G-C. GRCh37 (hg19) VCF-style: chr2-145147543-G-C.
Other names: c.3048C>G, p.His1016Gln (NM_001171653.2); short protein forms H1016Q, H1040Q.
Identifiers: ClinVar variation 4680938 (VCV004680938.1).
Genomic context (GRCh38, chr2:144,389,976, plus strand): 5'-ACATTTATCACACTGATAGGGCTTCTCGCCCGAGTGAAGCCTTGAGTGCTCGATAAGGTG[G>C]TGCTTGTGTTTAAACGCTTTCTTACAAATCTGACACTGATGTGGTCTTTTTCCTGGGAGA-3'
Protein context (NP_055610.1, residues 1030-1050): QICKKAFKHK[His1040Gln]HLIEHSRLHS